The following is an entry in ClinVar:

ClinVar aggregate classification (germline): Likely benign. Review status: criteria provided, multiple submitters, no conflicts (2 of 4 stars). 3 submissions from 3 submitters: Likely benign (3). Last evaluated 2024-10-29.

Conditions:
Inborn genetic diseases. Identifiers: MedGen C0950123, MeSH D030342.

Allele frequency attached by ClinVar (database versions not stated): gnomAD 0.00001; TOPMed 0.00001; gnomAD exomes 0.00003; ExAC 0.00010.
gnomAD v4.1: 38 of 1,613,954 alleles (0.0024%); highest among the groups gnomAD compares: South Asian, 0.026%; no homozygotes.

Submissions (3):

Labcorp Genetics (formerly Invitae), Labcorp
Classification: Likely benign. Last evaluated: 2024-10-29. Review status: criteria provided, single submitter. Criteria: Invitae Variant Classification Sherloc (09022015). Collection method: clinical testing. Allele origin: germline.

CeGaT Center for Human Genetics Tuebingen
Classification: Likely benign. Last evaluated: 2022-09-01. Review status: criteria provided, single submitter. Criteria: CeGaT Center For Human Genetics Tuebingen Variant Classification Criteria Version 2. Collection method: clinical testing. Allele origin: germline. Affected: yes. Observed: 1 variant allele.
Comment: ERCC2: BP4, BP7

Ambry Genetics
Classification: Likely benign for Inborn genetic diseases. Last evaluated: 2022-03-14. Review status: criteria provided, single submitter. Criteria: Ambry Variant Classification Scheme 2023. Collection method: clinical testing. Allele origin: germline.

NM_000400.4(ERCC2):c.1698G>A (p.Leu566=)

Gene: ERCC2 (ERCC excision repair 2, TFIIH core complex helicase subunit; minus strand). Cytogenetic location: 19q13.32.
Variant type: single nucleotide variant.
Coding change: c.1698G>A on transcript NM_000400.4 (MANE Select); coding-DNA position 1698, G replaced by A.
Protein change: p.Leu566=; no amino-acid change (leucine 566 retained).
Molecular consequence: synonymous variant.
Genome position (GRCh38, 1-based): chr19:45,353,302, C>T on the plus strand (G>A on the coding strand, the complement: ERCC2 is on the minus strand). VCF-style: chr19-45353302-C-T. GRCh37 (hg19) VCF-style: chr19-45856560-C-T.
Identifiers: ClinVar variation 1778276 (VCV001778276.29), dbSNP rs775843300, ClinGen allele CA9513140.